The following is an entry in ClinVar:

NM_080473.5(GATA5):c.77C>T (p.Pro26Leu)

Gene: GATA5 (GATA binding protein 5; minus strand). Cytogenetic location: 20q13.33.
Variant type: single nucleotide variant.
Coding change: c.77C>T on transcript NM_080473.5 (MANE Select); coding-DNA position 77, C replaced by T.
Protein change: p.Pro26Leu; replaces proline 26 with leucine.
Molecular consequence: missense variant.
Genome position (GRCh38, 1-based): chr20:62,475,445, G>A on the plus strand (C>T on the coding strand, the complement: GATA5 is on the minus strand). VCF-style: chr20-62475445-G-A. GRCh37 (hg19) VCF-style: chr20-61050501-G-A.
Other names: short protein forms P26L.
Identifiers: ClinVar variation 2629521 (VCV002629521.4), dbSNP rs1989835264, ClinGen allele CA409557924.

ClinVar aggregate classification (germline): Uncertain significance. Review status: criteria provided, multiple submitters, no conflicts (2 of 4 stars). 2 submissions from 2 submitters: Uncertain significance (2). Last evaluated 2024-06-11.

Conditions:
GATA5-related disorder. Also called: GATA5-related condition.

Allele frequency attached by ClinVar (database versions not stated): TOPMed below 0.00001.
gnomAD v4.1: 2 of 1,356,220 alleles (0.00015%); highest among the groups gnomAD compares: African/African-American, 0.0015%; no homozygotes.

Submissions (2):

Labcorp Genetics (formerly Invitae), Labcorp
Classification: Uncertain significance. Last evaluated: 2024-06-11. Review status: criteria provided, single submitter. Criteria: Invitae Variant Classification Sherloc (09022015). Collection method: clinical testing. Allele origin: germline.
Comment: This sequence change replaces proline, which is neutral and non-polar, with leucine, which is neutral and non-polar, at codon 26 of the GATA5 protein (p.Pro26Leu). This variant is not present in population databases (gnomAD no frequency). This variant has not been reported in the literature in individuals affected with GATA5-related conditions. ClinVar contains an entry for this variant (Variation ID: 2629521). An algorithm developed to predict the effect of missense changes on protein structure and function (PolyPhen-2) suggests that this variant is likely to be tolerated. In summary, the available evidence is currently insufficient to determine the role of this variant in disease. Therefore, it has been classified as a Variant of Uncertain Significance.

PreventionGenetics, part of Exact Sciences
Classification: Uncertain significance for GATA5-related condition. Last evaluated: 2023-08-24. Review status: criteria provided, single submitter. Criteria: ACMG Guidelines, 2015. Collection method: clinical testing. Allele origin: germline.
Comment: The GATA5 c.77C>T variant is predicted to result in the amino acid substitution p.Pro26Leu. To our knowledge, this variant has not been reported in the literature or in a large population database, indicating this variant is rare. At this time, the clinical significance of this variant is uncertain due to the absence of conclusive functional and genetic evidence.